The following is an entry in ClinVar:

NM_016373.4(WWOX):c.764T>C (p.Val255Ala)

Gene: WWOX (WW domain containing oxidoreductase; plus strand). Cytogenetic location: 16q23.1.
Variant type: single nucleotide variant.
Coding change: c.764T>C on transcript NM_016373.4 (MANE Select); coding-DNA position 764, T replaced by C.
Protein change: p.Val255Ala; replaces valine 255 with alanine.
Molecular consequence: missense variant.
Genome position (GRCh38, 1-based): chr16:78,425,028, T>C. VCF-style: chr16-78425028-T-C. GRCh37 (hg19) VCF-style: chr16-78458925-T-C.
Other names: c.425T>C, p.Val142Ala (NM_001291997.2); short protein forms V142A, V255A.
Identifiers: ClinVar variation 2133507 (VCV002133507.4), dbSNP rs1243737794, ClinGen allele CA396842960.

ClinVar aggregate classification (germline): Uncertain significance (1 of 4 stars; one submission).

Conditions:
Autosomal recessive spinocerebellar ataxia 12. Also called: SPINOCEREBELLAR ATAXIA WITH MENTAL RETARDATION AND EPILEPSY. Identifiers: Orphanet 284282, MedGen C3280452, MONDO:0013687, OMIM 614322.
Developmental and epileptic encephalopathy, 1 (DEE1). Also called: Tonic spasms with clustering, arrest of psychomotor development and hypsarrhythmia on EEG; X-Linked Infantile Spasm Syndrome; X-linked infantile spasms; West's syndrome; OHTAHARA SYNDROME, X-LINKED; INFANTILE SPASM SYNDROME, X-LINKED 1. Identifiers: MedGen C3463992, MONDO:0010632, OMIM 308350. Disease mechanism: loss of function.

Allele frequency attached by ClinVar (database versions not stated): gnomAD exomes below 0.00001; gnomAD 0.00001.
gnomAD v4.1: 2 of 1,613,854 alleles (0.00012%); highest among the groups gnomAD compares: African/African-American, 0.0013%; no homozygotes.

Submission:

Labcorp Genetics (formerly Invitae), Labcorp
Classification: Uncertain significance for Developmental and epileptic encephalopathy, 1; Autosomal recessive spinocerebellar ataxia 12. Last evaluated: 2022-05-17. Review status: criteria provided, single submitter. Criteria: Invitae Variant Classification Sherloc (09022015). Collection method: clinical testing. Allele origin: germline.
Comment: This variant is present in population databases (no rsID available, gnomAD 0.003%). This variant has not been reported in the literature in individuals affected with WWOX-related conditions. Algorithms developed to predict the effect of missense changes on protein structure and function are either unavailable or do not agree on the potential impact of this missense change (SIFT: "Not Available"; PolyPhen-2: "Possibly Damaging"; Align-GVGD: "Not Available"). This sequence change replaces valine, which is neutral and non-polar, with alanine, which is neutral and non-polar, at codon 255 of the WWOX protein (p.Val255Ala). In summary, the available evidence is currently insufficient to determine the role of this variant in disease. Therefore, it has been classified as a Variant of Uncertain Significance.